The following is an entry in ClinVar:

ClinVar aggregate classification (germline): Conflicting classifications of pathogenicity. Review status: criteria provided, conflicting classifications (1 of 4 stars). 2 submissions from 2 submitters: Uncertain significance (1); Likely benign (1). Last evaluated 2025-04-01.

Allele frequency attached by ClinVar (database versions not stated): ExAC 0.00003; gnomAD exomes 0.00004; TOPMed 0.00004; gnomAD 0.00005.
gnomAD v4.1: 62 of 1,613,548 alleles (0.0038%); highest among the groups gnomAD compares: Non-Finnish European, 0.0047%; no homozygotes.

Submissions (2):

CeGaT Center for Human Genetics Tuebingen
Classification: Likely benign. Last evaluated: 2025-04-01. Review status: criteria provided, single submitter. Criteria: CeGaT Center For Human Genetics Tuebingen Variant Classification Criteria Version 2. Collection method: clinical testing. Allele origin: germline. Affected: yes. Observed: 2 variant alleles.
Comment: C5: BP4, BP7

Labcorp Genetics (formerly Invitae), Labcorp
Classification: Uncertain significance. Last evaluated: 2022-04-28. Review status: criteria provided, single submitter. Criteria: Invitae Variant Classification Sherloc (09022015). Collection method: clinical testing. Allele origin: germline.
Comment: This variant is present in population databases (rs780707722, gnomAD 0.008%). This sequence change affects codon 1466 of the C5 mRNA. It is a 'silent' change, meaning that it does not change the encoded amino acid sequence of the C5 protein. This variant also falls at the last nucleotide of exon 35, which is part of the consensus splice site for this exon. Variants that disrupt the consensus splice site are a relatively common cause of aberrant splicing (PMID: 17576681, 9536098). Algorithms developed to predict the effect of sequence changes on RNA splicing suggest that this variant is not likely to affect RNA splicing. In summary, the available evidence is currently insufficient to determine the role of this variant in disease. Therefore, it has been classified as a Variant of Uncertain Significance. This variant has not been reported in the literature in individuals affected with C5-related conditions.

Literature cited by the submitters: PubMed 17576681 (cited by Labcorp Genetics (formerly Invitae), Labcorp); PubMed 9536098 (cited by Labcorp Genetics (formerly Invitae), Labcorp).

NM_001735.3(C5):c.4398G>A (p.Ser1466=)

Gene: C5 (complement C5; minus strand). Cytogenetic location: 9q33.2.
Variant type: single nucleotide variant.
Coding change: c.4398G>A on transcript NM_001735.3 (MANE Select); coding-DNA position 4398, G replaced by A.
Protein change: p.Ser1466=; no amino-acid change (serine 1466 retained).
Molecular consequence: synonymous variant.
Genome position (GRCh38, 1-based): chr9:120,962,893, C>T on the plus strand (G>A on the coding strand, the complement: C5 is on the minus strand). VCF-style: chr9-120962893-C-T. GRCh37 (hg19) VCF-style: chr9-123725171-C-T.
Other names: c.4416G>A, p.Ser1472= (NM_001317163.2).
Identifiers: ClinVar variation 2177963 (VCV002177963.29), dbSNP rs780707722, ClinGen allele CA5217188.